The following is an entry in ClinVar:

ClinVar aggregate classification (germline): Uncertain significance (1 of 4 stars; one submission).

Submission:

GeneDx
Classification: Uncertain significance. Last evaluated: 2024-03-06. Review status: criteria provided, single submitter. Criteria: GeneDx Variant Classification Process June 2021. Collection method: clinical testing. Allele origin: germline. Affected: yes.
Comment: Not observed at significant frequency in large population cohorts (gnomAD); In silico analysis supports that this missense variant does not alter protein structure/function; Predicted do be within the cytoplasmic loop between the first and second homologous domains; Has not been previously published as pathogenic or benign to our knowledge

NM_001165963.4(SCN1A):c.1990G>T (p.Val664Phe)

Gene: SCN1A (sodium voltage-gated channel alpha subunit 1; minus strand). Cytogenetic location: 2q24.3.
Variant type: single nucleotide variant.
Coding change: c.1990G>T on transcript NM_001165963.4 (MANE Select); coding-DNA position 1990, G replaced by T.
Protein change: p.Val664Phe; replaces valine 664 with phenylalanine.
Molecular consequence: missense variant. On other transcripts: 5 prime UTR variant (1), non-coding transcript variant (1), intron variant (4).
Genome position (GRCh38, 1-based): chr2:166,043,722, C>A on the plus strand (G>T on the coding strand, the complement: SCN1A is on the minus strand). VCF-style: chr2-166043722-C-A. GRCh37 (hg19) VCF-style: chr2-166900232-C-A.
Other names: c.1990G>T, p.Val664Phe (NM_001202435.3, NM_001353948.2, NM_001353949.2 and 4 more transcripts); c.1987G>T, p.Val663Phe (NM_001353954.2, NM_001353955.2); c.-436G>T (NM_001353961.2); c.1959+31G>T (NM_001353958.2, NM_001353957.2, NM_001165964.3); c.1956+31G>T (NM_001353960.2); short protein forms V663F, V664F.
Identifiers: ClinVar variation 3370624 (VCV003370624.1).